The following is an entry in ClinVar:

ClinVar aggregate classification (germline): Likely benign. Review status: criteria provided, multiple submitters, no conflicts (2 of 4 stars). 3 submissions from 3 submitters: Likely benign (3). Last evaluated 2024-03-20.

Conditions:
Familial thoracic aortic aneurysm and aortic dissection (TAAD). Also called: Thoracic aortic aneurysms and dissections. Identifiers: Orphanet 91387, MedGen C4707243, MONDO:0019625.

gnomAD v4.1: 3 of 1,612,268 alleles (0.00019%); highest among the groups gnomAD compares: African/African-American, 0.0013%; no homozygotes.

Submissions (3):

Ambry Genetics
Classification: Likely benign for Familial thoracic aortic aneurysm and aortic dissection. Last evaluated: 2024-03-20. Review status: criteria provided, single submitter. Criteria: Ambry Variant Classification Scheme 2023. Collection method: clinical testing. Allele origin: germline.

All of Us Research Program, National Institutes of Health
Classification: Likely benign for Familial thoracic aortic aneurysm and aortic dissection. Last evaluated: 2023-03-28. Review status: criteria provided, single submitter. Criteria: ACMG Guidelines, 2015. Collection method: clinical testing. Allele origin: germline. Inheritance: Autosomal dominant inheritance. Observed: 1 variant allele, 1 heterozygote.
Comment: This study involves interpretation of variants in research participants for the purpose of population health screening. Participant phenotype was not available at the time of variant classification. Additional details can be found in publication PMID: 35346344, PMCID: PMC8962531

Color Diagnostics, LLC DBA Color Health
Classification: Likely benign for Familial thoracic aortic aneurysm and aortic dissection. Last evaluated: 2018-10-17. Review status: criteria provided, single submitter. Criteria: ACMG Guidelines, 2015. Collection method: clinical testing. Allele origin: germline.

NM_002474.3(MYH11):c.3823C>A (p.Arg1275=)

Gene: MYH11 (myosin heavy chain 11; minus strand). Cytogenetic location: 16p13.11.
Variant type: single nucleotide variant.
Coding change: c.3823C>A on transcript NM_002474.3 (MANE Select); coding-DNA position 3823, C replaced by A.
Protein change: p.Arg1275=; no amino-acid change (arginine 1275 retained).
Molecular consequence: synonymous variant.
Genome position (GRCh38, 1-based): chr16:15,726,883, G>T on the plus strand (C>A on the coding strand, the complement: MYH11 is on the minus strand). VCF-style: chr16-15726883-G-T. GRCh37 (hg19) VCF-style: chr16-15820740-G-T.
Other names: c.3844C>A, p.Arg1282= (NM_001040113.2, NM_001040114.2); c.3823C>A, p.Arg1275= (NM_022844.3); c.3823C>A (NM_002474.2).
Identifiers: ClinVar variation 629787 (VCV000629787.4), dbSNP rs1182738877, ClinGen allele CA493765769.